The following is an entry in ClinVar:

ClinVar aggregate classification (germline): Benign. Review status: criteria provided, single submitter (1 of 4 stars). 2 submissions from 1 submitter: Benign (2). Last evaluated 2018-01-12.

Conditions:
Ehlers-Danlos syndrome, arthrochalasia type, 2. Also called: EHLERS-DANLOS SYNDROME, TYPE VIIB, AUTOSOMAL DOMINANT. Identifiers: MedGen CN293783, MONDO:0040501, OMIM 617821.
Osteogenesis imperfecta (OI). Identifiers: Orphanet 666, MedGen C0029434, MeSH D010013, MONDO:0019019.

Allele frequency attached by ClinVar (database versions not stated): gnomAD 0.00016 and 0.00027; TOPMed 0.00019; 1000 Genomes Project 30x 0.00250; 1000 Genomes Project 0.00260.
gnomAD v4.1: 125 of 599,196 alleles (0.021%); highest among the groups gnomAD compares: East Asian, 0.25%; no homozygotes.

Submissions (2):

Illumina Laboratory Services, Illumina
Classification: Benign for Ehlers-Danlos syndrome, arthrochalasia type, 2. Last evaluated: 2018-01-12. Review status: criteria provided, single submitter. Criteria: ICSL Variant Classification Criteria 13 December 2019. Collection method: clinical testing. Allele origin: germline.
Comment: This variant was observed in the ICSL laboratory as part of a predisposition screen in an ostensibly healthy population. It had not been previously curated by ICSL or reported in the Human Gene Mutation Database (HGMD: prior to June 1st, 2018), and was therefore a candidate for classification through an automated scoring system. Utilizing variant allele frequency, disease prevalence and penetrance estimates, and inheritance mode, an automated score was calculated to assess if this variant is too frequent to cause the disease. Based on the score and internal cut-off values, a variant classified as benign is not then subjected to further curation. The score for this variant resulted in a classification of benign for this disease.

Illumina Laboratory Services, Illumina
Classification: Benign for Osteogenesis imperfecta. Last evaluated: 2018-01-12. Review status: criteria provided, single submitter. Criteria: ICSL Variant Classification Criteria 13 December 2019. Collection method: clinical testing. Allele origin: germline.
Comment: the same text as in the submission from Illumina Laboratory Services, Illumina above.

NM_000089.4(COL1A2):c.*195C>T

Gene: COL1A2 (collagen type I alpha 2 chain; plus strand). Cytogenetic location: 7q21.3.
Variant type: single nucleotide variant.
Coding change: c.*195C>T on transcript NM_000089.4 (MANE Select); 195 bases downstream of the stop codon, C replaced by T.
Molecular consequence: 3 prime UTR variant.
Genome position (GRCh38, 1-based): chr7:94,430,588, C>T. VCF-style: chr7-94430588-C-T. GRCh37 (hg19) VCF-style: chr7-94059900-C-T.
Identifiers: ClinVar variation 360977 (VCV000360977.5), dbSNP rs190115417, ClinGen allele CA10629668.